The following is an entry in ClinVar:

ClinVar aggregate classification (germline): Uncertain significance (1 of 4 stars; one submission).

Conditions:
Catecholaminergic polymorphic ventricular tachycardia (CVPT). Also called: Catecholamine-induced polymorphic ventricular tachycardia. Identifiers: Orphanet 3286, MedGen C5574922, MONDO:0017990.

Submission:

All of Us Research Program, National Institutes of Health
Classification: Uncertain significance for Catecholaminergic polymorphic ventricular tachycardia. Last evaluated: 2024-03-05. Review status: criteria provided, single submitter. Criteria: ACMG Guidelines, 2015. Collection method: clinical testing. Allele origin: germline. Inheritance: Autosomal dominant inheritance. Observed: 2 variant alleles, 2 heterozygotes.
Comment: This missense variant replaces aspartic acid with asparagine at codon 1449 of the RYR2 protein. Computational prediction suggests that this variant may not impact protein structure and function (internally defined REVEL score threshold <= 0.5, PMID: 27666373). To our knowledge, functional studies have not been reported for this variant. This variant has not been reported in individuals affected with RYR2-related disorders in the literature. This variant has not been identified in the general population by the Genome Aggregation Database (gnomAD). The available evidence is insufficient to determine the role of this variant in disease conclusively. Therefore, this variant is classified as a Variant of Uncertain Significance.

This study involves interpretation of variants in research participants for the purpose of population health screening. Participant phenotype was not available at the time of variant classification. Additional details can be found in publication PMID: 35346344, PMCID: PMC8962531

NM_001035.3(RYR2):c.4345G>A (p.Asp1449Asn)

Gene: RYR2 (ryanodine receptor 2; plus strand). Cytogenetic location: 1q43.
Variant type: single nucleotide variant.
Coding change: c.4345G>A on transcript NM_001035.3 (MANE Select); coding-DNA position 4345, G replaced by A.
Protein change: p.Asp1449Asn; replaces aspartic acid 1449 with asparagine.
Molecular consequence: missense variant.
Genome position (GRCh38, 1-based): chr1:237,593,545, G>A. VCF-style: chr1-237593545-G-A. GRCh37 (hg19) VCF-style: chr1-237756845-G-A.
Other names: short protein forms D1449N.
Identifiers: ClinVar variation 3074779 (VCV003074779.2), dbSNP rs2546638550, ClinGen allele CA345399821.